The following is an entry in ClinVar:

NM_001042492.3(NF1):c.2850+2T>A

Gene: NF1 (neurofibromin 1; plus strand). Cytogenetic location: 17q11.2.
Variant type: single nucleotide variant.
Coding change: c.2850+2T>A on transcript NM_001042492.3 (MANE Select); the canonical splice donor site of the intron after coding-DNA position 2850, T replaced by A.
Molecular consequence: splice donor variant.
Genome position (GRCh38, 1-based): chr17:31,229,467, T>A. VCF-style: chr17-31229467-T-A. GRCh37 (hg19) VCF-style: chr17-29556485-T-A.
Other names: c.2850+2T>A (NM_000267.4).
Identifiers: ClinVar variation 4530421 (VCV004530421.1).

ClinVar aggregate classification (somatic clinical impact): Tier I - Strong (1 of 4 stars; one submission).

Conditions:
Primary intracranial sarcoma, DICER1-mutant. Identifiers: MedGen C5670660, MONDO:0858967.

Submission:

Institute for Genomic Medicine (IGM) Clinical Laboratory, Nationwide Children's Hospital
Classification: Tier I - Strong for Primary intracranial sarcoma, DICER1-mutant. Assertion type: diagnostic. Clinical significance: supports diagnosis. Last evaluated: 2022-11-05. Review status: criteria provided, single submitter. Criteria: AMP/ASCO/CAP Guidelines, 2017. Collection method: clinical testing. Allele origin: somatic. Affected: yes.
Comment: Variant has Tier I (strong) clinical significance as a diagnostic inclusion criterion in primary intracranial sarcoma, DICER1-mutant, based on the following evidence: 1) Appears in one or more well-established professional guidelines (e.g., World Health Organization [WHO]; National Comprehensive Cancer Network [NCCN]) as providing diagnostic, prognostic, or therapeutic information. 2) Information in the literature supports potential biologic effect of variant. 3) Diagnostic for a specific tumor type/classification based on well-powered studies with expert-level consensus (Evidence Level B; PMIDs: 29881993, 32291395, 30649606).

Literature cited by the submitters: PubMed 29881993; PubMed 32291395; PubMed 30649606.